The following is an entry in ClinVar:

ClinVar aggregate classification (germline): Uncertain significance (1 of 4 stars; one submission).

Submission:

Labcorp Genetics (formerly Invitae), Labcorp
Classification: Uncertain significance. Last evaluated: 2022-12-22. Review status: criteria provided, single submitter. Criteria: Invitae Variant Classification Sherloc (09022015). Collection method: clinical testing. Allele origin: germline.
Comment: This sequence change replaces lysine, which is basic and polar, with threonine, which is neutral and polar, at codon 609 of the TAOK2 protein (p.Lys609Thr). This variant is not present in population databases (gnomAD no frequency). This variant has not been reported in the literature in individuals affected with TAOK2-related conditions. Algorithms developed to predict the effect of missense changes on protein structure and function are either unavailable or do not agree on the potential impact of this missense change (SIFT: "Deleterious"; PolyPhen-2: "Possibly Damaging"; Align-GVGD: "Class C0"). In summary, the available evidence is currently insufficient to determine the role of this variant in disease. Therefore, it has been classified as a Variant of Uncertain Significance.

NM_016151.4(TAOK2):c.1826A>C (p.Lys609Thr)

Gene: TAOK2 (TAO kinase 2; plus strand). Cytogenetic location: 16p11.2.
Variant type: single nucleotide variant.
Coding change: c.1826A>C on transcript NM_016151.4 (MANE Select); coding-DNA position 1826, A replaced by C.
Protein change: p.Lys609Thr; replaces lysine 609 with threonine.
Molecular consequence: missense variant.
Genome position (GRCh38, 1-based): chr16:29,985,695, A>C. VCF-style: chr16-29985695-A-C. GRCh37 (hg19) VCF-style: chr16-29997016-A-C.
Other names: c.1826A>C, p.Lys609Thr (NM_001252043.2, NM_004783.4); short protein forms K609T.
Identifiers: ClinVar variation 2822950 (VCV002822950.3), dbSNP rs2543652743, ClinGen allele CA395487526.
Genomic context (GRCh38, chr16:29,985,695, plus strand): 5'-TGCTTCCCTCTGCACTCGCCCAGGAGCTCCAGGAGAACCCCAGCACTCCCAAGCGGGAGA[A>C]GGCCGAGTGGCTGCTGCGGCAGAAGGAGCAGCTCCAGCAGTGCCAGGCGGAGGAGGAAGC-3'
Protein context (NP_057235.2, residues 599-619): QENPSTPKRE[Lys609Thr]AEWLLRQKEQ